The following is an entry in ClinVar:

NM_006044.4(HDAC6):c.3172C>T (p.Leu1058=)

Gene: HDAC6 (histone deacetylase 6; plus strand). Cytogenetic location: Xp11.23.
Variant type: single nucleotide variant.
Coding change: c.3172C>T on transcript NM_006044.4 (MANE Select); coding-DNA position 3172, C replaced by T.
Protein change: p.Leu1058=; no amino-acid change (leucine 1058 retained).
Molecular consequence: synonymous variant. On other transcripts: non-coding transcript variant (1).
Genome position (GRCh38, 1-based): chrX:48,823,571, C>T. VCF-style: chrX-48823571-C-T. GRCh37 (hg19) VCF-style: chrX-48681981-C-T.
Other names: c.3214C>T, p.Leu1072= (NM_001321225.2); c.3172C>T, p.Leu1058= (NM_001321226.2, NM_001321227.2, NM_001321228.2 and 1 more transcripts).
Identifiers: ClinVar variation 2660476 (VCV002660476.24), dbSNP rs147207522, ClinGen allele CA10405378.

ClinVar aggregate classification (germline): Likely benign (1 of 4 stars; one submission).

Allele frequency attached by ClinVar (database versions not stated): gnomAD exomes 0.00022; gnomAD 0.00028; TOPMed 0.00028; ESP Exome Variant Server 0.00047; ExAC 0.00055.
gnomAD v4.1: 288 of 1,206,197 alleles (0.024%); highest among the groups gnomAD compares: Non-Finnish European, 0.0039%; 1 homozygote.

Submission:

CeGaT Center for Human Genetics Tuebingen
Classification: Likely benign. Last evaluated: 2022-03-01. Review status: criteria provided, single submitter. Criteria: CeGaT Center For Human Genetics Tuebingen Variant Classification Criteria Version 2. Collection method: clinical testing. Allele origin: germline. Affected: yes. Observed: 1 variant allele.
Comment: HDAC6: BP4, BP7